The following is an entry in ClinVar:

NM_198253.3(TERT):c.2725G>A (p.Val909Ile)

Gene: TERT (telomerase reverse transcriptase; minus strand). Cytogenetic location: 5p15.33.
Variant type: single nucleotide variant.
Coding change: c.2725G>A on transcript NM_198253.3 (MANE Select); coding-DNA position 2725, G replaced by A.
Protein change: p.Val909Ile; replaces valine 909 with isoleucine.
Molecular consequence: missense variant. On other transcripts: intron variant (1).
Genome position (GRCh38, 1-based): chr5:1,264,522, C>T on the plus strand (G>A on the coding strand, the complement: TERT is on the minus strand). VCF-style: chr5-1264522-C-T. GRCh37 (hg19) VCF-style: chr5-1264637-C-T.
Other names: c.2725G>A (NM_198253.2); c.2654+1942G>A (NM_001193376.3); short protein forms V909I.
Identifiers: ClinVar variation 1010920 (VCV001010920.12), dbSNP rs537649320, ClinGen allele CA3184411.

ClinVar aggregate classification (germline): Uncertain significance. Review status: criteria provided, multiple submitters, no conflicts (2 of 4 stars). 3 submissions from 3 submitters: Uncertain significance (3). Last evaluated 2023-05-27.

Conditions:
Idiopathic Pulmonary Fibrosis. Also called: Idiopathic fibrosing alveolitis, chronic form; idiopathic fibrosing alveolitis. Identifiers: Orphanet 2032, MedGen C1800706, MeSH D054990, MONDO:0800504.
Dyskeratosis congenita, autosomal dominant 2. Identifiers: MedGen C3151443, MONDO:0013521, OMIM 613989.
Dyskeratosis congenita. Identifiers: Orphanet 1775, MedGen C0265965, MONDO:0015780.

Allele frequency attached by ClinVar (database versions not stated): gnomAD exomes below 0.00001; ExAC 0.00001; gnomAD 0.00001; 1000 Genomes Project 30x 0.00016; 1000 Genomes Project 0.00020.
gnomAD v4.1: 2 of 1,613,994 alleles (0.00012%); highest among the groups gnomAD compares: African/African-American, 0.0013%; no homozygotes.

Submissions (3):

Labcorp Genetics (formerly Invitae), Labcorp
Classification: Uncertain significance for Dyskeratosis congenita, autosomal dominant 2; Idiopathic Pulmonary Fibrosis. Last evaluated: 2023-05-27. Review status: criteria provided, single submitter. Criteria: Invitae Variant Classification Sherloc (09022015). Collection method: clinical testing. Allele origin: germline.
Comment: This sequence change replaces valine, which is neutral and non-polar, with isoleucine, which is neutral and non-polar, at codon 909 of the TERT protein (p.Val909Ile). This variant is present in population databases (rs537649320, gnomAD 0.007%). This variant has not been reported in the literature in individuals affected with TERT-related conditions. ClinVar contains an entry for this variant (Variation ID: 1010920). Advanced modeling of protein sequence and biophysical properties (such as structural, functional, and spatial information, amino acid conservation, physicochemical variation, residue mobility, and thermodynamic stability) performed at Invitae indicates that this missense variant is not expected to disrupt TERT protein function. In summary, the available evidence is currently insufficient to determine the role of this variant in disease. Therefore, it has been classified as a Variant of Uncertain Significance.

Ambry Genetics
Classification: Uncertain significance for Dyskeratosis congenita. Last evaluated: 2023-03-05. Review status: criteria provided, single submitter. Criteria: Ambry Variant Classification Scheme 2023. Collection method: clinical testing. Allele origin: germline.
Comment: The p.V909I variant (also known as c.2725G>A), located in coding exon 11 of the TERT gene, results from a G to A substitution at nucleotide position 2725. The valine at codon 909 is replaced by isoleucine, an amino acid with highly similar properties. This amino acid position is conserved. In addition, this alteration is predicted to be tolerated by in silico analysis. Since supporting evidence is limited at this time, the clinical significance of this alteration remains unclear.

Blueprint Genetics
Classification: Uncertain significance. Last evaluated: 2021-07-28. Review status: criteria provided, single submitter. Criteria: ACMG Guidelines, 2015. Collection method: clinical testing. Allele origin: germline.